The following is an entry in ClinVar:

ClinVar aggregate classification (germline): Uncertain significance (1 of 4 stars; one submission).

Allele frequency attached by ClinVar (database versions not stated): gnomAD exomes 0.00001.

Submission:

Labcorp Genetics (formerly Invitae), Labcorp
Classification: Uncertain significance. Last evaluated: 2022-10-24. Review status: criteria provided, single submitter. Criteria: Invitae Variant Classification Sherloc (09022015). Collection method: clinical testing. Allele origin: germline.
Comment: In summary, the available evidence is currently insufficient to determine the role of this variant in disease. Therefore, it has been classified as a Variant of Uncertain Significance. Advanced modeling of protein sequence and biophysical properties (such as structural, functional, and spatial information, amino acid conservation, physicochemical variation, residue mobility, and thermodynamic stability) performed at Invitae indicates that this missense variant is not expected to disrupt DSG1 protein function. ClinVar contains an entry for this variant (Variation ID: 1464966). This variant has not been reported in the literature in individuals affected with DSG1-related conditions. This variant is present in population databases (no rsID available, gnomAD 0.006%). This sequence change replaces valine, which is neutral and non-polar, with isoleucine, which is neutral and non-polar, at codon 393 of the DSG1 protein (p.Val393Ile).

NM_001942.4(DSG1):c.1177G>A (p.Val393Ile)

Gene: DSG1 (desmoglein 1; plus strand). Cytogenetic location: 18q12.1.
Variant type: single nucleotide variant.
Coding change: c.1177G>A on transcript NM_001942.4 (MANE Select); coding-DNA position 1177, G replaced by A.
Protein change: p.Val393Ile; replaces valine 393 with isoleucine.
Molecular consequence: missense variant.
Genome position (GRCh38, 1-based): chr18:31,336,525, G>A. VCF-style: chr18-31336525-G-A. GRCh37 (hg19) VCF-style: chr18-28916488-G-A.
Other names: short protein forms V393I.
Identifiers: ClinVar variation 1464966 (VCV001464966.6), dbSNP rs1217643063, ClinGen allele CA402134003.